The following is an entry in ClinVar:

NM_001374736.1(DST):c.21048-5C>T

Gene: DST (dystonin; minus strand). Cytogenetic location: 6p12.1.
Variant type: single nucleotide variant.
Coding change: c.21048-5C>T on transcript NM_001374736.1 (MANE Select); 5 bases into the intron before coding-DNA position 21048, C replaced by T.
Molecular consequence: intron variant.
Genome position (GRCh38, 1-based): chr6:56,485,476, G>A on the plus strand (C>T on the coding strand, the complement: DST is on the minus strand). VCF-style: chr6-56485476-G-A. GRCh37 (hg19) VCF-style: chr6-56350274-G-A.
Other names: c.14691-5C>T (NM_001144769.2, NM_001144769.5); c.21048-5C>T (NM_001374722.1); c.21075-5C>T (NM_001374734.1); c.14277-5C>T (NM_001144770.2); c.13830-5C>T (NM_001374730.1); c.14157-5C>T (NM_001386100.1, NM_183380.4); c.20088-5C>T (NM_001374729.1); c.13179-5C>T (NM_015548.5).
Identifiers: ClinVar variation 1144831 (VCV001144831.10), dbSNP rs777699585, ClinGen allele CA3866587.

ClinVar aggregate classification (germline): Likely benign. Review status: criteria provided, multiple submitters, no conflicts (2 of 4 stars). 2 submissions from 2 submitters: Likely benign (2). Last evaluated 2025-09-07.

Conditions:
DST-related disorder. Also called: DST-related condition; DST-related disorders.
Epidermolysis bullosa simplex 3, localized or generalized intermediate, with BP230 deficiency (EBS3). Also called: Epidermolysis bullosa simplex, autosomal recessive 2; Epidermolysis bullosa simplex due to BP230 deficiency. Identifiers: Orphanet 412181, MedGen C3809470, MONDO:0014180, OMIM 615425.
Hereditary sensory and autonomic neuropathy type 6. Also called: Neuropathy, hereditary sensory and autonomic, type VI; HSAN VI. Identifiers: Orphanet 314381, MedGen C3539003, MONDO:0013839, OMIM 614653.

Allele frequency attached by ClinVar (database versions not stated): ExAC 0.00002; gnomAD exomes 0.00002 and 0.00001; gnomAD 0.00001.
gnomAD v4.1: 14 of 1,611,068 alleles (0.00087%); highest among the groups gnomAD compares: Middle Eastern, 0.016%; no homozygotes.

Submissions (2):

PreventionGenetics, part of Exact Sciences
Classification: Likely benign for DST-related condition. Last evaluated: 2025-09-07. Review status: criteria provided, single submitter. Criteria: ACMG Guidelines, 2015. Collection method: clinical testing. Allele origin: germline.
Comment: This variant is classified as likely benign based on ACMG/AMP sequence variant interpretation guidelines (Richards et al. 2015 PMID: 25741868, with internal and published modifications).

Labcorp Genetics (formerly Invitae), Labcorp
Classification: Likely benign for Epidermolysis bullosa simplex 3, localized or generalized intermediate, with BP230 deficiency; Hereditary sensory and autonomic neuropathy type 6. Last evaluated: 2024-05-10. Review status: criteria provided, single submitter. Criteria: Invitae Variant Classification Sherloc (09022015). Collection method: clinical testing. Allele origin: germline.